The following is an entry in ClinVar:

NM_002617.4(PEX10):c.378C>T (p.Pro126=)

Gene: PEX10 (peroxisomal biogenesis factor 10; minus strand). Cytogenetic location: 1p36.32.
Variant type: single nucleotide variant.
Coding change: c.378C>T on transcript NM_002617.4 (MANE Select); coding-DNA position 378, C replaced by T.
Protein change: p.Pro126=; no amino-acid change (proline 126 retained).
Molecular consequence: synonymous variant. On other transcripts: 5 prime UTR variant (2), non-coding transcript variant (1).
Genome position (GRCh38, 1-based): chr1:2,408,674, G>A on the plus strand (C>T on the coding strand, the complement: PEX10 is on the minus strand). VCF-style: chr1-2408674-G-A. GRCh37 (hg19) VCF-style: chr1-2340113-G-A.
Other names: c.378C>T, p.Pro126= (NM_001374425.1, NM_153818.2); c.-55C>T (NM_001374426.1, NM_001374427.1).
Identifiers: ClinVar variation 593283 (VCV000593283.14), dbSNP rs762783424, ClinGen allele CA538190.

ClinVar aggregate classification (germline): Conflicting classifications of pathogenicity. Review status: criteria provided, conflicting classifications (1 of 4 stars). 3 submissions from 3 submitters: Uncertain significance (1); Likely benign (2). Last evaluated 2026-01-29.

Conditions:
PEX10-related disorder. Also called: PEX10-related condition.
Peroxisome biogenesis disorder, complementation group 7 (CG7). Also called: Peroxisome biogenesis disorder, complementation group B. Identifiers: MedGen C1864399.

Allele frequency attached by ClinVar (database versions not stated): TOPMed 0.00001.

Submissions (3):

PreventionGenetics, part of Exact Sciences
Classification: Likely benign for PEX10-related condition. Last evaluated: 2026-01-29. Review status: criteria provided, single submitter. Criteria: ACMG Guidelines, 2015. Collection method: clinical testing. Allele origin: germline.
Comment: This variant is classified as likely benign based on ACMG/AMP sequence variant interpretation guidelines (Richards et al. 2015 PMID: 25741868, with internal and published modifications).

Labcorp Genetics (formerly Invitae), Labcorp
Classification: Likely benign for Peroxisome biogenesis disorder, complementation group 7. Last evaluated: 2024-01-08. Review status: criteria provided, single submitter. Criteria: Invitae Variant Classification Sherloc (09022015). Collection method: clinical testing. Allele origin: germline.

Eurofins Ntd Llc (ga)
Classification: Uncertain significance. Last evaluated: 2017-07-19. Review status: criteria provided, single submitter. Criteria: EGL Classification Definitions 2015. Collection method: clinical testing. Allele origin: germline. Observed: 1 variant allele, 1 heterozygote.